The following is an entry in ClinVar:

NM_000059.4(BRCA2):c.5857del (p.Glu1953fs)

Gene: BRCA2 (BRCA2 DNA repair associated; plus strand). Cytogenetic location: 13q13.1.
Variant type: Deletion.
Coding change: c.5857del on transcript NM_000059.4 (MANE Select); coding-DNA position 5857, one base deleted (G; older notation c.5857delG).
Protein change: p.Glu1953fs; shifts the reading frame from glutamic acid 1953.
Molecular consequence: frameshift variant.
Genome position (GRCh38, 1-based): chr13:32,340,212, G deleted; the last of 2 consecutive G bases (chr13:32,340,211-32,340,212); deleting either gives the same sequence. VCF-style (leftmost placement, unchanged base first): chr13-32340210-TG-T. GRCh37 (hg19) VCF-style: chr13-32914347-TG-T.
Other names: 6085delG; c.5857delG (NM_000059.3); short protein forms E1953fs.
Identifiers: ClinVar variation 51953 (VCV000051953.13), dbSNP rs80359545, ClinGen allele CA023309.
Genomic context (GRCh38, chr13:32,340,210, plus strand): 5'-ATAACCAAAATATGTCTGGATTGGAGAAAGTTTCTAAAATATCACCTTGTGATGTTAGTT[TG>T]GAAACTTCAGATATATGTAAATGTAGTATAGGGAAGCTTCATAAGTCAGTCTCATCTGCA-3'

ClinVar aggregate classification (germline): Pathogenic. Review status: reviewed by expert panel (3 of 4 stars). 5 submissions from 5 submitters: Pathogenic (1). 4 of the submissions do not count toward it. Last evaluated 2016-09-08.

Conditions:
Hereditary breast ovarian cancer syndrome. Also called: Hereditary breast and ovarian cancer syndrome; Hereditary breast and ovarian cancer; Hereditary breast and ovarian cancer syndrome (HBOC); Breast and ovarian cancer; Hereditary breast and/or ovarian cancer syndrome; BRCA1- and BRCA2-Associated Hereditary Breast and Ovarian Cancer. Identifiers: Orphanet 145, MedGen C0677776, MeSH D061325, MONDO:0003582. Disease mechanism: loss of function.
Hereditary cancer-predisposing syndrome. Also called: Neoplastic Syndromes, Hereditary; Tumor predisposition; Hereditary neoplastic syndrome; Hereditary Cancer Syndrome. Identifiers: Orphanet 140162, MedGen C0027672, MeSH D009386, MONDO:0015356.
Breast-ovarian cancer, familial, susceptibility to, 2 (BROVCA2). Also called: BRCA2 Hereditary Breast and Ovarian Cancer. Identifiers: Orphanet 145, MedGen C2675520, MONDO:0012933, OMIM 612555. Disease mechanism: loss of function.

Submissions (5):

Evidence-based Network for the Interpretation of Germline Mutant Alleles (ENIGMA)
Classification: Pathogenic for Breast-ovarian cancer, familial, susceptibility to, 2. Last evaluated: 2016-09-08. Review status: reviewed by expert panel. Criteria: ENIGMA BRCA1/2 Classification Criteria (2015). Collection method: curation. Allele origin: germline.
Comment: Variant allele predicted to encode a truncated non-functional protein.

Labcorp Genetics (formerly Invitae), Labcorp
Classification: Pathogenic for Hereditary breast ovarian cancer syndrome. Last evaluated: 2023-05-17. Review status: criteria provided, single submitter. Criteria: Invitae Variant Classification Sherloc (09022015). Collection method: clinical testing. Allele origin: germline. Not counted in ClinVar's aggregate classification.
Comment: For these reasons, this variant has been classified as Pathogenic. ClinVar contains an entry for this variant (Variation ID: 51953). This variant has not been reported in the literature in individuals affected with BRCA2-related conditions. This variant is not present in population databases (gnomAD no frequency). This sequence change creates a premature translational stop signal (p.Glu1953Lysfs*10) in the BRCA2 gene. It is expected to result in an absent or disrupted protein product. Loss-of-function variants in BRCA2 are known to be pathogenic (PMID: 20104584).

Ambry Genetics
Classification: Pathogenic for Hereditary cancer-predisposing syndrome. Last evaluated: 2023-05-15. Review status: criteria provided, single submitter. Criteria: Ambry Variant Classification Scheme 2023. Collection method: clinical testing. Allele origin: germline. Not counted in ClinVar's aggregate classification.
Comment: The c.5857delG pathogenic mutation, located in coding exon 10 of the BRCA2 gene, results from a deletion of one nucleotide at nucleotide position 5857, causing a translational frameshift with a predicted alternate stop codon (p.E1953Kfs*10). This variant is considered to be rare based on population cohorts in the Genome Aggregation Database (gnomAD). This alteration is expected to result in loss of function by premature protein truncation or nonsense-mediated mRNA decay. As such, this alteration is interpreted as a disease-causing mutation.

Women's Health and Genetics/Laboratory Corporation of America, LabCorp
Classification: Pathogenic for Hereditary breast ovarian cancer syndrome. Last evaluated: 2023-01-27. Review status: criteria provided, single submitter. Criteria: LabCorp Variant Classification Summary - May 2015. Collection method: clinical testing. Allele origin: germline. Not counted in ClinVar's aggregate classification.
Comment: Variant summary: BRCA2 c.5857delG (p.Glu1953LysfsX10) results in a premature termination codon, predicted to cause a truncation of the encoded protein or absence of the protein due to nonsense mediated decay, which are commonly known mechanisms for disease. Truncations downstream of this position have been classified as pathogenic by our laboratory. The variant was absent in 250950 control chromosomes. To our knowledge, no occurrence of c.5857delG in individuals affected with Hereditary Breast And Ovarian Cancer Syndrome and no experimental evidence demonstrating its impact on protein function have been reported. One expert panel via ClinVar has submitted clinical-significance assessments for this variant to ClinVar after 2014 without evidence for independent evaluation and classified the variant as pathogenic. Based on the evidence outlined above, the variant was classified as pathogenic.

Breast Cancer Information Core (BIC) (BRCA2)
Classification: Pathogenic for Breast-ovarian cancer, familial 2. Last evaluated: 2001-10-29. Review status: no assertion criteria provided. Collection method: clinical testing. Allele origin: germline. Affected: yes. Observed: 1 variant allele. Not counted in ClinVar's aggregate classification.

Literature cited by the submitters: PubMed 20104584 (cited by Labcorp Genetics (formerly Invitae), Labcorp).